The following is an entry in ClinVar:

NM_000548.5(TSC2):c.1950G>A (p.Glu650=)

Gene: TSC2 (TSC complex subunit 2; plus strand). Cytogenetic location: 16p13.3.
Variant type: single nucleotide variant.
Coding change: c.1950G>A on transcript NM_000548.5 (MANE Select); coding-DNA position 1950, G replaced by A.
Protein change: p.Glu650=; no amino-acid change (glutamic acid 650 retained).
Molecular consequence: synonymous variant.
Genome position (GRCh38, 1-based): chr16:2,071,787, G>A. VCF-style: chr16-2071787-G-A. GRCh37 (hg19) VCF-style: chr16-2121788-G-A.
Other names: c.1950G>A, p.Glu650= (NM_001077183.3, NM_001114382.3, NM_001363528.2 and 3 more transcripts); c.1839G>A, p.Glu613= (NM_001318827.2); c.1803G>A, p.Glu601= (NM_001318829.2); c.1350G>A, p.Glu450= (NM_001318831.2); c.1983G>A, p.Glu661= (NM_001318832.2); c.1950G>A (NM_000548.3).
Identifiers: ClinVar variation 1088192 (VCV001088192.11), dbSNP rs2151303677, ClinGen allele CA492950498.

ClinVar aggregate classification (germline): Benign/Likely benign. Review status: criteria provided, multiple submitters, no conflicts (2 of 4 stars). 3 submissions from 3 submitters: Benign (1); Likely benign (2). Last evaluated 2026-06-23.

Conditions:
Tuberous sclerosis 2 (TSC2). Identifiers: Orphanet 805, MedGen C1860707, MONDO:0013199, OMIM 613254.
Hereditary cancer-predisposing syndrome. Also called: Neoplastic Syndromes, Hereditary; Tumor predisposition; Hereditary Cancer Syndrome; Hereditary neoplastic syndrome. Identifiers: Orphanet 140162, MedGen C0027672, MeSH D009386, MONDO:0015356.

Submissions (3):

Ambry Genetics
Classification: Likely benign for Hereditary cancer-predisposing syndrome. Last evaluated: 2026-06-23. Review status: criteria provided, single submitter. Criteria: Ambry Variant Classification Scheme 2023. Collection method: clinical testing. Allele origin: germline.

Myriad Genetics, Inc.
Classification: Benign for Tuberous sclerosis 2. Last evaluated: 2025-05-16. Review status: criteria provided, single submitter. Criteria: Myriad Autosomal Dominant, Autosomal Recessive and X-Linked Classification Criteria (2023). Collection method: clinical testing. Allele origin: unknown.
Comment: This variant is considered benign. This variant is a silent/synonymous amino acid change and it is not expected to impact splicing.

Labcorp Genetics (formerly Invitae), Labcorp
Classification: Likely benign for Tuberous sclerosis 2. Last evaluated: 2025-01-14. Review status: criteria provided, single submitter. Criteria: Invitae Variant Classification Sherloc (09022015). Collection method: clinical testing. Allele origin: germline.